The following is an entry in ClinVar:

NM_000321.3(RB1):c.73C>A (p.Pro25Thr)

Gene: RB1 (RB transcriptional corepressor 1; plus strand). Cytogenetic location: 13q14.2.
Variant type: single nucleotide variant.
Coding change: c.73C>A on transcript NM_000321.3 (MANE Select); coding-DNA position 73, C replaced by A.
Protein change: p.Pro25Thr; replaces proline 25 with threonine.
Molecular consequence: missense variant.
Genome position (GRCh38, 1-based): chr13:48,303,985, C>A. VCF-style: chr13-48303985-C-A. GRCh37 (hg19) VCF-style: chr13-48878121-C-A.
Other names: c.73C>A, p.Pro25Thr (NM_001407165.1, NM_001407166.1, NM_001407167.1); short protein forms P25T.
Identifiers: ClinVar variation 2003697 (VCV002003697.4), dbSNP rs1566174119, ClinGen allele CA388250269.

ClinVar aggregate classification (germline): Uncertain significance (1 of 4 stars; one submission).

Conditions:
Retinoblastoma (RB1). Also called: RETINOBLASTOMA, SOMATIC. Identifiers: Orphanet 790, MedGen C0035335, MeSH D012175, MONDO:0008380, OMIM 180200, HP:0009919. Disease mechanism: loss of function. Inheritance: Both sporadic and heritable forms are tested..

Submission:

Labcorp Genetics (formerly Invitae), Labcorp
Classification: Uncertain significance for Retinoblastoma. Last evaluated: 2022-06-08. Review status: criteria provided, single submitter. Criteria: Invitae Variant Classification Sherloc (09022015). Collection method: clinical testing. Allele origin: germline.
Comment: This variant is not present in population databases (gnomAD no frequency). In summary, the available evidence is currently insufficient to determine the role of this variant in disease. Therefore, it has been classified as a Variant of Uncertain Significance. Algorithms developed to predict the effect of missense changes on protein structure and function are either unavailable or do not agree on the potential impact of this missense change (SIFT: "Tolerated"; PolyPhen-2: "Not Available"; Align-GVGD: "Class C0"). This variant has not been reported in the literature in individuals affected with RB1-related conditions. This sequence change replaces proline, which is neutral and non-polar, with threonine, which is neutral and polar, at codon 25 of the RB1 protein (p.Pro25Thr).